The following is an entry in ClinVar:

ClinVar aggregate classification (germline): Pathogenic/Likely pathogenic. Review status: criteria provided, multiple submitters, no conflicts (2 of 4 stars). 2 submissions from 2 submitters: Pathogenic (1); Likely pathogenic (1). Last evaluated 2024-09-30.

Conditions:
Familial adenomatous polyposis 2. Also called: MYH-associated polyposis; Adenomas, multiple colorectal; COLORECTAL ADENOMATOUS POLYPOSIS, AUTOSOMAL RECESSIVE; ADENOMAS, MULTIPLE COLORECTAL, AUTOSOMAL RECESSIVE; MUTYH Polyposis; FAP type 2. Identifiers: Orphanet 220460, Orphanet 247798, MedGen C3272841, MONDO:0012041, OMIM 608456.
Hereditary cancer-predisposing syndrome. Also called: Tumor predisposition; Neoplastic Syndromes, Hereditary; Hereditary Cancer Syndrome; Hereditary neoplastic syndrome. Identifiers: Orphanet 140162, MedGen C0027672, MeSH D009386, MONDO:0015356.

Submissions (2):

Ambry Genetics
Classification: Pathogenic for Hereditary cancer-predisposing syndrome. Last evaluated: 2024-09-30. Review status: criteria provided, single submitter. Criteria: Ambry Variant Classification Scheme 2023. Collection method: clinical testing. Allele origin: germline.
Comment: The c.1041_1042delGC pathogenic mutation, located in coding exon 12 of the MUTYH gene, results from a deletion of two nucleotides at nucleotide positions 1041 to 1042, causing a translational frameshift with a predicted alternate stop codon (p.E347Dfs*184). This alteration occurs at the 3' terminus of theMUTYH gene, is not expected to trigger nonsense-mediated mRNA decay, and only impacts the last 37% of the protein. However, premature stop codons are typically deleterious in nature and a significant portion of the protein is affected (Ambry internal data). This variant is considered to be rare based on population cohorts in the Genome Aggregation Database (gnomAD). Based on the supporting evidence, this variant is interpreted as a disease-causing mutation.

Baylor Genetics
Classification: Likely pathogenic for Familial adenomatous polyposis 2. Last evaluated: 2023-11-26. Review status: criteria provided, single submitter. Criteria: ACMG Guidelines, 2015. Collection method: clinical testing. Allele origin: unknown.

NM_001048174.2(MUTYH):c.957_958del (p.Glu319fs)

Gene: MUTYH (mutY DNA glycosylase; minus strand). Cytogenetic location: 1p34.1.
Variant type: Deletion.
Coding change: c.957_958del on transcript NM_001048174.2 (MANE Select); coding-DNA positions 957 to 958, 2 bases deleted (GC; older notation c.957_958delGC).
Protein change: p.Glu319fs; shifts the reading frame from glutamic acid 319.
Molecular consequence: frameshift variant. On other transcripts: non-coding transcript variant (2).
Genome position (GRCh38, 1-based): chr1:45,331,805-45,331,806, GC deleted on the plus strand (GC on the coding strand, the reverse complement: MUTYH is on the minus strand). VCF-style (leftmost placement, unchanged base first): chr1-45331804-GGC-G. GRCh37 (hg19) VCF-style: chr1-45797476-GGC-G.
Other names: c.957_958del, p.Glu319fs (NM_001048171.2, NM_001048173.2, NM_001293195.2); c.960_961del, p.Glu320fs (NM_001048172.2); c.1041_1042del, p.Glu347fs (NM_001128425.2); c.1002_1003del, p.Glu334fs (NM_001293190.2); c.990_991del, p.Glu330fs (NM_001293191.2); c.681_682del, p.Glu227fs (NM_001293192.2, NM_001293196.2); c.612_613del, p.Glu204fs (NM_001350650.2, NM_001350651.2); c.990_991delGC, p.Glu330Aspfs (NM_001407069.1, NM_001407077.1); and 10 more; short protein forms E227fs, E347fs, E320fs, E330fs, E204fs, E334fs, E344fs, E319fs.
Identifiers: ClinVar variation 1774067 (VCV001774067.4), dbSNP rs2524017181, ClinGen allele CA2580063034.